The following is an entry in ClinVar:

ClinVar aggregate classification (germline): Likely pathogenic (1 of 4 stars; one submission).

Conditions:
Hypertrophic osteoarthropathy, primary, autosomal recessive, 2 (PHOAR2E). Also called: PACHYDERMOPERIOSTOSIS, AUTOSOMAL RECESSIVE; PDP, AUTOSOMAL RECESSIVE; HYPERTROPHIC OSTEOARTHROPATHY, PRIMARY, AUTOSOMAL RECESSIVE, 2/ENTEROPATHY SYNDROME; PHOAR2-enteropathy syndrome. Identifiers: Orphanet 2796, MedGen C3280800, MONDO:0013756, OMIM 614441.

Allele frequency attached by ClinVar (database versions not stated): gnomAD exomes below 0.00001.
gnomAD v4.1: 1 of 1,613,962 alleles (0.000062%); highest among the groups gnomAD compares: East Asian, 0.0022%; no homozygotes.

Submission:

3billion
Classification: Likely pathogenic for Hypertrophic osteoarthropathy, primary, autosomal recessive, 2. Last evaluated: 2022-03-22. Review status: criteria provided, single submitter. Criteria: ACMG Guidelines, 2015. Collection method: clinical testing. Allele origin: germline. Affected: yes. Observed: 1 heterozygote.
Comment: Stop-gained (nonsense): predicted to result in a loss or disruption of normal protein function through nonsense-mediated decay (NMD) or protein truncation. Multiple pathogenic variants are reported downstream of the variant.It is not observed in the gnomAD v2.1.1 dataset. Therefore, this variant is classified as likely pathogenic according to the recommendation of ACMG/AMP guideline.

NM_005630.3(SLCO2A1):c.133C>T (p.Gln45Ter)

Gene: SLCO2A1 (solute carrier organic anion transporter family member 2A1; minus strand). Cytogenetic location: 3q22.1.
Variant type: single nucleotide variant.
Coding change: c.133C>T on transcript NM_005630.3 (MANE Select); coding-DNA position 133, C replaced by T.
Protein change: p.Gln45Ter; replaces glutamine 45 with a stop codon.
Molecular consequence: nonsense.
Genome position (GRCh38, 1-based): chr3:133,979,582, G>A on the plus strand (C>T on the coding strand, the complement: SLCO2A1 is on the minus strand). VCF-style: chr3-133979582-G-A. GRCh37 (hg19) VCF-style: chr3-133698426-G-A.
Other names: short protein forms Q45*.
Identifiers: ClinVar variation 1526052 (VCV001526052.1), dbSNP rs1576444504, ClinGen allele CA354621368.
Genomic context (GRCh38, chr3:133,979,582, plus strand): 5'-GCCCAAAGCGCTTCTCAATGGTGGTGAGGCTGCTCTTGAAGTAGGCGCTGTACAGGAGTT[G>A]GCAGAGCTGCAGGAGGCCTTGGCAGAGCACAAACACCTGGGGGAAGAGTGATGGGCCCGT-3'